The following is an entry in ClinVar:

NM_000138.5(FBN1):c.5345G>A (p.Cys1782Tyr)

Gene: FBN1 (fibrillin 1; minus strand). Cytogenetic location: 15q21.1.
Variant type: single nucleotide variant.
Coding change: c.5345G>A on transcript NM_000138.5 (MANE Select); coding-DNA position 5345, G replaced by A.
Protein change: p.Cys1782Tyr; replaces cysteine 1782 with tyrosine.
Molecular consequence: missense variant.
Genome position (GRCh38, 1-based): chr15:48,456,714, C>T on the plus strand (G>A on the coding strand, the complement: FBN1 is on the minus strand). VCF-style: chr15-48456714-C-T. GRCh37 (hg19) VCF-style: chr15-48748911-C-T.
Other names: short protein forms C1782Y.
Identifiers: ClinVar variation 519757 (VCV000519757.9), dbSNP rs1555396429, ClinGen allele CA392346189.

ClinVar aggregate classification (germline): Pathogenic/Likely pathogenic. Review status: criteria provided, multiple submitters, no conflicts (2 of 4 stars). 4 submissions from 4 submitters: Pathogenic (2); Likely pathogenic (2). Last evaluated 2024-04-18.

Conditions:
Familial thoracic aortic aneurysm and aortic dissection (TAAD). Also called: Thoracic aortic aneurysms and dissections. Identifiers: Orphanet 91387, MedGen C4707243, MONDO:0019625.
Marfan syndrome (MFS). Also called: Marfan syndrome type 1; Marfan syndrome, classic; Marfan's syndrome; FBN1-Related Marfan Syndrome; MARFAN SYNDROME, TYPE I. Identifiers: Orphanet 284963, Orphanet 558, MedGen C0024796, MONDO:0007947, OMIM 154700.
FBN1-related disorder. Also called: FBN1-related disorders.

Submissions (4):

Blueprint Genetics
Classification: Likely pathogenic for FBN1-related disorders. Last evaluated: 2024-04-18. Review status: criteria provided, single submitter. Criteria: ACMG Guidelines, 2015. Collection method: clinical testing. Allele origin: germline. Affected: yes. Observed: 1 variant allele.

GeneDx
Classification: Pathogenic. Last evaluated: 2020-03-20. Review status: criteria provided, single submitter. Criteria: GeneDx Variant Classification Process June 2021. Collection method: clinical testing. Allele origin: germline. Affected: yes.
Comment: Not observed in large population cohorts (Lek et al., 2016); In silico analysis supports that this missense variant has a deleterious effect on protein structure/function; Affects a cysteine residue within a calcium-binding EGF-like domain of the FBN1 gene, which may affect disulfide bonding and is predicted to alter the structure and function of the protein; cysteine substitutions in the calcium-binding EGF-like domains represent the majority of pathogenic missense changes associated with FBN1-related disorders (Collod-Beroud et al., 2003); Reported in ClinVar as pathogenic and likely pathogenic (ClinVar Variant ID# 519757; Landrum et al., 2016); This variant is associated with the following publications: (PMID: 15054843, 15062093, 19293843)

Mendelics
Classification: Pathogenic for Marfan syndrome. Last evaluated: 2019-05-28. Review status: criteria provided, single submitter. Criteria: Mendelics Assertion Criteria 2017. Collection method: clinical testing. Allele origin: unknown.

Ambry Genetics
Classification: Likely pathogenic for Familial thoracic aortic aneurysm and aortic dissection. Last evaluated: 2017-01-31. Review status: criteria provided, single submitter. Criteria: Ambry Variant Classification Scheme 2023. Collection method: clinical testing. Allele origin: germline.
Comment: The p.C1782Y variant (also known as c.5345G>A), located in coding exon 43 of the FBN1 gene, results from a G to A substitution at nucleotide position 5345. The cysteine at codon 1782 is replaced by tyrosine, an amino acid with highly dissimilar properties, and is located in the cb EGF-like #25 domain. This alteration, and another change at the same amino acid position (C1782R), have been detected in individuals reported to have Marfan syndrome (Stheneur C et al. Eur J Hum Genet. 2009;17:1121-8). Internal structural analysis indicates this alteration results in loss of an important structural motif in the cbEGF domain 25, and the majority of FBN1 mutations identified to date have involved the substitution or generation of cysteine residues within cbEGF domains (Lee SS et al. Structure. 2004;12(4):717-29; Vollbrandt T et al. J Biol Chem. 2004;279(31):32924-32931). This amino acid position is highly conserved in available vertebrate species. In addition, this alteration is predicted to be deleterious by in silico analysis. Based on the majority of available evidence to date, this variant is likely to be pathogenic.

Literature cited by the submitters: PubMed 19293843 (cited by Ambry Genetics).